The following is an entry in ClinVar:

NM_203486.3(DLL3):c.652+1G>C

Genes: DLL3 (delta like canonical Notch ligand 3; plus strand), LOC130064417 (ATAC-STARR-seq lymphoblastoid silent region 10608; plus strand). Cytogenetic location: 19q13.2.
Variant type: single nucleotide variant.
Coding change: c.652+1G>C on transcript NM_203486.3 (MANE Select); the canonical splice donor site of the intron after coding-DNA position 652, G replaced by C.
Molecular consequence: splice donor variant.
Genome position (GRCh38, 1-based): chr19:39,503,058, G>C. VCF-style: chr19-39503058-G-C. GRCh37 (hg19) VCF-style: chr19-39993698-G-C.
Other names: c.652+1G>C (NM_016941.4).
Identifiers: ClinVar variation 1935656 (VCV001935656.5), dbSNP rs962071242, ClinGen allele CA405796325.

ClinVar aggregate classification (germline): Likely pathogenic (1 of 4 stars; one submission).

Submission:

Labcorp Genetics (formerly Invitae), Labcorp
Classification: Likely pathogenic. Last evaluated: 2025-03-17. Review status: criteria provided, single submitter. Criteria: Invitae Variant Classification Sherloc (09022015). Collection method: clinical testing. Allele origin: germline.
Comment: This sequence change affects a donor splice site in intron 4 of the DLL3 gene. It is expected to disrupt RNA splicing. Variants that disrupt the donor or acceptor splice site typically lead to a loss of protein function (PMID: 16199547), and loss-of-function variants in DLL3 are known to be pathogenic (PMID: 12746394). This variant is not present in population databases (gnomAD no frequency). This variant has not been reported in the literature in individuals affected with DLL3-related conditions. ClinVar contains an entry for this variant (Variation ID: 1935656). Algorithms developed to predict the effect of sequence changes on RNA splicing suggest that this variant may disrupt the consensus splice site. In summary, the currently available evidence indicates that the variant is pathogenic, but additional data are needed to prove that conclusively. Therefore, this variant has been classified as Likely Pathogenic.

Literature cited by the submitters: PubMed 16199547; PubMed 12746394.